The following is an entry in ClinVar:

ClinVar aggregate classification (germline): Likely pathogenic (1 of 4 stars; one submission).

Conditions:
Nemaline myopathy 8 (NEM8). Also called: Nemaline myopathy 8, autosomal recessive. Identifiers: Orphanet 171430, MedGen C3809209, MONDO:0014138, OMIM 615348.

gnomAD v4.1: 3 of 1,597,882 alleles (0.00019%); highest among the groups gnomAD compares: East Asian, 0.0022%; no homozygotes.

Submission:

Juno Genomics, Hangzhou Juno Genomics, Inc
Classification: Likely pathogenic for Nemaline myopathy 8. Review status: criteria provided, single submitter. Criteria: ACMG Guidelines, 2015. Collection method: clinical testing. Allele origin: germline.
Comment: Absent from controls (or at extremely low frequency if recessive) in Genome Aggregation Database.;Null variant in a gene where loss of function (LOF) is a known mechanism of disease.

NM_152393.4(KLHL40):c.518C>A (p.Ser173Ter)

Gene: KLHL40 (kelch like family member 40; plus strand). Cytogenetic location: 3p22.1.
Variant type: single nucleotide variant.
Coding change: c.518C>A on transcript NM_152393.4 (MANE Select); coding-DNA position 518, C replaced by A.
Protein change: p.Ser173Ter; replaces serine 173 with a stop codon.
Molecular consequence: nonsense.
Genome position (GRCh38, 1-based): chr3:42,686,136, C>A. VCF-style: chr3-42686136-C-A. GRCh37 (hg19) VCF-style: chr3-42727628-C-A.
Other names: short protein forms S173*.
Identifiers: ClinVar variation 5007676 (VCV005007676.2).